The following is an entry in ClinVar:

NM_015425.6(POLR1A):c.1925C>A (p.Thr642Asn)

Gene: POLR1A (RNA polymerase I subunit A; minus strand). Cytogenetic location: 2p11.2.
Variant type: single nucleotide variant.
Coding change: c.1925C>A on transcript NM_015425.6 (MANE Select); coding-DNA position 1925, C replaced by A.
Protein change: p.Thr642Asn; replaces threonine 642 with asparagine.
Molecular consequence: missense variant.
Genome position (GRCh38, 1-based): chr2:86,065,407, G>T on the plus strand (C>A on the coding strand, the complement: POLR1A is on the minus strand). VCF-style: chr2-86065407-G-T. GRCh37 (hg19) VCF-style: chr2-86292530-G-T.
Other names: short protein forms T642N.
Identifiers: ClinVar variation 1940432 (VCV001940432.5), dbSNP rs750690447, ClinGen allele CA1746214.

ClinVar aggregate classification (germline): Uncertain significance (1 of 4 stars; one submission).

Allele frequency attached by ClinVar (database versions not stated): gnomAD 0.00002; TOPMed 0.00004; ExAC 0.00008.
gnomAD v4.1: 83 of 1,614,052 alleles (0.0051%); highest among the groups gnomAD compares: Non-Finnish European, 0.0065%; no homozygotes.

Submission:

Labcorp Genetics (formerly Invitae), Labcorp
Classification: Uncertain significance. Last evaluated: 2023-10-04. Review status: criteria provided, single submitter. Criteria: Invitae Variant Classification Sherloc (09022015). Collection method: clinical testing. Allele origin: germline.
Comment: This sequence change replaces threonine, which is neutral and polar, with asparagine, which is neutral and polar, at codon 642 of the POLR1A protein (p.Thr642Asn). This variant is present in population databases (rs750690447, gnomAD 0.01%). This variant has not been reported in the literature in individuals affected with POLR1A-related conditions. ClinVar contains an entry for this variant (Variation ID: 1940432). Advanced modeling of protein sequence and biophysical properties (such as structural, functional, and spatial information, amino acid conservation, physicochemical variation, residue mobility, and thermodynamic stability) performed at Invitae indicates that this missense variant is expected to disrupt POLR1A protein function. In summary, the available evidence is currently insufficient to determine the role of this variant in disease. Therefore, it has been classified as a Variant of Uncertain Significance.